The following is an entry in ClinVar:

ClinVar aggregate classification (germline): Uncertain significance. Review status: criteria provided, multiple submitters, no conflicts (2 of 4 stars). 3 submissions from 3 submitters: Uncertain significance (3). Last evaluated 2025-12-15.

Conditions:
Cardiovascular phenotype. Identifiers: MedGen CN230736.
Myofibrillar myopathy 5. Also called: Filaminopathy (type); FILAMINOPATHY, AUTOSOMAL DOMINANT. Identifiers: Orphanet 171445, MedGen C1836050, MONDO:0012289, OMIM 609524.
Distal myopathy with posterior leg and anterior hand involvement. Also called: WILLIAMS DISTAL MYOPATHY. Identifiers: Orphanet 63273, MedGen C3279722, MONDO:0013550, OMIM 614065.
Hypertrophic cardiomyopathy 26. Also called: Cardiomyopathy, familial hypertrophic, 26. Identifiers: Orphanet 75249, MedGen C4310749, MONDO:0014883, OMIM 617047.

Allele frequency attached by ClinVar (database versions not stated): gnomAD 0.00001; gnomAD exomes 0.00001 and 0.00002; ExAC 0.00003; TOPMed 0.00004.
gnomAD v4.1: 9 of 1,613,240 alleles (0.00056%); highest among the groups gnomAD compares: African/African-American, 0.0053%; no homozygotes.

Submissions (3):

Labcorp Genetics (formerly Invitae), Labcorp
Classification: Uncertain significance for Distal myopathy with posterior leg and anterior hand involvement; Myofibrillar myopathy 5; Hypertrophic cardiomyopathy 26. Last evaluated: 2025-12-15. Review status: criteria provided, single submitter. Criteria: Invitae Variant Classification Sherloc (09022015). Collection method: clinical testing. Allele origin: germline.
Comment: This sequence change replaces arginine, which is basic and polar, with glutamine, which is neutral and polar, at codon 755 of the FLNC protein (p.Arg755Gln). This variant is present in population databases (rs781101985, gnomAD 0.01%). This variant has not been reported in the literature in individuals affected with FLNC-related conditions. ClinVar contains an entry for this variant (Variation ID: 1047266). An algorithm developed to predict the effect of missense changes on protein structure and function (PolyPhen-2) suggests that this variant is likely to be tolerated. In summary, the available evidence is currently insufficient to determine the role of this variant in disease. Therefore, it has been classified as a Variant of Uncertain Significance.

Ambry Genetics
Classification: Uncertain significance for Cardiovascular phenotype. Last evaluated: 2025-09-17. Review status: criteria provided, single submitter. Criteria: Ambry Variant Classification Scheme 2023. Collection method: clinical testing. Allele origin: germline.
Comment: The p.R755Q variant (also known as c.2264G>A), located in coding exon 14 of the FLNC gene, results from a G to A substitution at nucleotide position 2264. The arginine at codon 755 is replaced by glutamine, an amino acid with highly similar properties. This amino acid position is conserved. In addition, this alteration is predicted to be deleterious by in silico analysis. Since supporting evidence is limited at this time, the clinical significance of this alteration remains unclear.

GeneDx
Classification: Uncertain significance. Last evaluated: 2022-01-03. Review status: criteria provided, single submitter. Criteria: GeneDx Variant Classification Process June 2021. Collection method: clinical testing. Allele origin: germline. Affected: yes.
Comment: Has not been previously published as pathogenic or benign to our knowledge; Not observed at significant frequency in large population cohorts (gnomAD); In silico analysis supports that this missense variant has a deleterious effect on protein structure/function; Reported in ClinVar as a variant of uncertain significance (ClinVar Variant ID# 1047266)

NM_001458.5(FLNC):c.2264G>A (p.Arg755Gln)

Gene: FLNC (filamin C; plus strand). Cytogenetic location: 7q32.1.
Variant type: single nucleotide variant.
Coding change: c.2264G>A on transcript NM_001458.5 (MANE Select); coding-DNA position 2264, G replaced by A.
Protein change: p.Arg755Gln; replaces arginine 755 with glutamine.
Molecular consequence: missense variant.
Genome position (GRCh38, 1-based): chr7:128,842,373, G>A. VCF-style: chr7-128842373-G-A. GRCh37 (hg19) VCF-style: chr7-128482427-G-A.
Other names: c.2264G>A, p.Arg755Gln (NM_001127487.2); short protein forms R755Q.
Identifiers: ClinVar variation 1047266 (VCV001047266.13), dbSNP rs781101985, ClinGen allele CA4474653.
Genomic context (GRCh38, chr7:128,842,373, plus strand): 5'-CCATTAAGCACACCATCATCATCTCCTGGGGAGGCGTAAACGTGCCCAAGAGCCCCTTCC[G>A]GGTGCGTCCTCCCGGCCTGCCCCGTGCCCACCACCAGGGGTCCCTGAGGGAGGGCGGAAC-3'
Protein context (NP_001449.3, residues 745-765): GGVNVPKSPF[Arg755Gln]VNVGEGSHPE